The following is an entry in ClinVar:

ClinVar aggregate classification (germline): Uncertain significance (1 of 4 stars; one submission).

Submission:

GeneDx
Classification: Uncertain significance. Last evaluated: 2018-02-28. Review status: criteria provided, single submitter. Criteria: GeneDx Variant Classification (06012015). Collection method: clinical testing. Allele origin: germline. Affected: yes.
Comment: The c.3058_3063dupCAGGAA variant has not been published as a pathogenic variant, nor has it been reported as a benign variant to our knowledge. The c.3058_3063dupCAGGAA variant is observed in 18/126,488 (0.01%) alleles from individuals of European background (Lek et al., 2016). The c.3058_3063dupCAGGAA variant is results in an in-frame duplication of two amino acids, denoted p.Q1020_E1021dup. Based on the currently available information, it is unclear whether this variant is a pathogenic variant or a rare benign variant.

NM_014875.3(KIF14):c.3058_3063dup (p.Gln1020_Glu1021dup)

Gene: KIF14 (kinesin family member 14; minus strand). Cytogenetic location: 1q32.1.
Variant type: Duplication.
Coding change: c.3058_3063dup on transcript NM_014875.3 (MANE Select); coding-DNA positions 3058 to 3063, 6 bases duplicated (CAGGAA; older notation c.3058_3063dupCAGGAA).
Protein change: p.Gln1020_Glu1021dup.
Molecular consequence: inframe insertion.
Genome position (GRCh38, 1-based): chr1:200,589,268-200,589,273, TTCCTG duplicated on the plus strand (CAGGAA on the coding strand, the reverse complement: KIF14 is on the minus strand); duplicating any 6 consecutive bases within chr1:200,589,268-200,589,276 gives the same sequence; the c. name uses the placement nearest the transcript's 3' end. VCF-style (leftmost placement, unchanged base first): chr1-200589267-T-TTTCCTG. GRCh37 (hg19) VCF-style: chr1-200558395-T-TTTCCTG.
Other names: c.3058_3063dupCAGGAA (NM_014875.2); c.1585_1590dup, p.Gln529_Glu530dup (NM_001305792.1).
Identifiers: ClinVar variation 504458 (VCV000504458.2), dbSNP rs749444149, ClinGen allele CA1317359.